The following is an entry in ClinVar:

ClinVar aggregate classification (germline): Conflicting classifications of pathogenicity. Review status: criteria provided, conflicting classifications (1 of 4 stars). 2 submissions from 2 submitters: Uncertain significance (1); Likely benign (1). Last evaluated 2023-07-25.

Conditions:
Intellectual disability. Also called: Intellectual functioning disability; intellectual disabilities; Intellectual developmental disorder. Identifiers: MedGen C3714756, MeSH D008607, MONDO:0001071, HP:0001249.

Allele frequency attached by ClinVar (database versions not stated): ESP Exome Variant Server 0.00008; TOPMed below 0.00001; ExAC 0.00001.
gnomAD v4.1: 53 of 1,613,816 alleles (0.0033%); highest among the groups gnomAD compares: Non-Finnish European, 0.0044%; no homozygotes.

Submissions (2):

Labcorp Genetics (formerly Invitae), Labcorp
Classification: Uncertain significance. Last evaluated: 2023-07-25. Review status: criteria provided, single submitter. Criteria: Invitae Variant Classification Sherloc (09022015). Collection method: clinical testing. Allele origin: germline.
Comment: In summary, the available evidence is currently insufficient to determine the role of this variant in disease. Therefore, it has been classified as a Variant of Uncertain Significance. This sequence change replaces threonine, which is neutral and polar, with methionine, which is neutral and non-polar, at codon 688 of the ASXL1 protein (p.Thr688Met). This variant is present in population databases (rs375094000, gnomAD 0.003%). This variant has not been reported in the literature in individuals affected with ASXL1-related conditions. ClinVar contains an entry for this variant (Variation ID: 2106639). An algorithm developed to predict the effect of missense changes on protein structure and function (PolyPhen-2) suggests that this variant is likely to be disruptive.

Cambridge Genomics Laboratory, East Genomic Laboratory Hub, NHS Genomic Medicine Service
Classification: Likely benign for Intellectual disability. Last evaluated: 2020-02-11. Review status: criteria provided, single submitter. Criteria: ACGS Best Practice Guidelines for Variant Classification in Rare Disease 2020. Collection method: clinical testing. Allele origin: germline. Affected: yes. Observed: 1 variant allele.

NM_015338.6(ASXL1):c.2063C>T (p.Thr688Met)

Gene: ASXL1 (ASXL transcriptional regulator 1; plus strand). Cytogenetic location: 20q11.21.
Variant type: single nucleotide variant.
Coding change: c.2063C>T on transcript NM_015338.6 (MANE Select); coding-DNA position 2063, C replaced by T.
Protein change: p.Thr688Met; replaces threonine 688 with methionine.
Molecular consequence: missense variant.
Genome position (GRCh38, 1-based): chr20:32,434,775, C>T. VCF-style: chr20-32434775-C-T. GRCh37 (hg19) VCF-style: chr20-31022578-C-T.
Other names: c.1880C>T, p.Thr627Met (NM_001363734.1); short protein forms T627M, T688M.
Identifiers: ClinVar variation 2106639 (VCV002106639.5), dbSNP rs375094000, ClinGen allele CA9808532.